The following is an entry in ClinVar:

NM_000642.3(AGL):c.4081A>C (p.Ile1361Leu)

Gene: AGL (amylo-alpha-1,6-glucosidase and 4-alpha-glucanotransferase; plus strand). Cytogenetic location: 1p21.2.
Variant type: single nucleotide variant.
Coding change: c.4081A>C on transcript NM_000642.3 (MANE Select); coding-DNA position 4081, A replaced by C.
Protein change: p.Ile1361Leu; replaces isoleucine 1361 with leucine.
Molecular consequence: missense variant.
Genome position (GRCh38, 1-based): chr1:99,913,658, A>C. VCF-style: chr1-99913658-A-C. GRCh37 (hg19) VCF-style: chr1-100379214-A-C.
Other names: c.4081A>C, p.Ile1361Leu (NM_000028.3, NM_000643.3, NM_000644.3 and 1 more transcripts); c.4033A>C, p.Ile1345Leu (NM_000646.3); c.4060A>C, p.Ile1354Leu (NM_001425326.1); c.3880A>C, p.Ile1294Leu (NM_001425327.1); c.3877A>C, p.Ile1293Leu (NM_001425328.1); c.3742A>C, p.Ile1248Leu (NM_001425329.1); c.3703A>C, p.Ile1235Leu (NM_001425332.1); short protein forms I1361L, I1345L, I1235L, I1248L, I1293L, I1294L, I1354L.
Identifiers: ClinVar variation 940677 (VCV000940677.10), dbSNP rs1397039239, ClinGen allele CA341339986.

ClinVar aggregate classification (germline): Uncertain significance (1 of 4 stars; one submission).

Conditions:
Glycogen storage disease type III (GSD3). Also called: Cori disease; FORBES DISEASE. Identifiers: Orphanet 366, MedGen C0017922, MONDO:0009291, OMIM 232400.

gnomAD v4.1: 1 of 1,614,138 alleles (0.000062%); highest among the groups gnomAD compares: East Asian, 0.0022%; no homozygotes.

Submission:

Labcorp Genetics (formerly Invitae), Labcorp
Classification: Uncertain significance for Glycogen storage disease type III. Last evaluated: 2019-07-22. Review status: criteria provided, single submitter. Criteria: Invitae Variant Classification Sherloc (09022015). Collection method: clinical testing. Allele origin: germline.
Comment: In summary, the available evidence is currently insufficient to determine the role of this variant in disease. Therefore, it has been classified as a Variant of Uncertain Significance. Algorithms developed to predict the effect of missense changes on protein structure and function are either unavailable or do not agree on the potential impact of this missense change (SIFT: "Deleterious"; PolyPhen-2: "Possibly Damaging"; Align-GVGD: "Class C0"). This variant has not been reported in the literature in individuals with AGL-related conditions. This variant is not present in population databases (ExAC no frequency). This sequence change replaces isoleucine with leucine at codon 1361 of the AGL protein (p.Ile1361Leu). The isoleucine residue is highly conserved and there is a small physicochemical difference between isoleucine and leucine.